The following is an entry in ClinVar:

Conditions:
Breast-ovarian cancer, familial, susceptibility to, 1 (BROVCA1). Also called: BRCA1 Hereditary Breast and Ovarian Cancer; OVARIAN CANCER, SUSCEPTIBILITY TO. Identifiers: Orphanet 145, MedGen C2676676, MONDO:0011450, OMIM 604370. Disease mechanism: loss of function.

Submission:

Brotman Baty Institute, University of Washington
No classification provided (evidence only). Condition: Breast-ovarian cancer, familial 1. Review status: no classification provided. Collection method: in vitro. Allele origin: not applicable. Functional consequence: functionally_normal.
ClinVar note: "not provided" was previously submitted as the classification for the variant. However, the classification appeared to be based only on an observation of functional data so it was converted to no classification on 2025-07-30.

NM_007294.4(BRCA1):c.134+16T>G

Gene: BRCA1 (BRCA1 DNA repair associated; minus strand). Cytogenetic location: 17q21.31.
Variant type: single nucleotide variant.
Coding change: c.134+16T>G on transcript NM_007294.4 (MANE Select); 16 bases into the intron after coding-DNA position 134, T replaced by G.
Molecular consequence: intron variant.
Genome position (GRCh38, 1-based): chr17:43,115,710, A>C on the plus strand (T>G on the coding strand, the complement: BRCA1 is on the minus strand). VCF-style: chr17-43115710-A-C. GRCh37 (hg19) VCF-style: chr17-41267727-A-C.
Other names: c.-55+8307T>G (NM_001407902.1, NM_001407898.1, NM_001407881.1); c.134+16T>G (NM_001408414.1, NM_001408411.1, NM_001407655.1 and 191 more transcripts); c.-55+16T>G (NM_001407956.1, NM_001407897.1, NM_001407947.1 and 52 more transcripts); c.-124+16T>G (NM_001407724.1, NM_001407746.1, NM_001408468.1 and 13 more transcripts); c.-8+16T>G (NM_001407697.1, NM_001407838.1, NM_001408410.1 and 47 more transcripts); c.-219+9567T>G (NM_001407967.1); c.-170+9567T>G (NM_001407959.1); c.-7-9177T>G (NM_001407931.1, NM_001407747.1, NM_001408511.1 and 2 more transcripts); and 10 more.
Identifiers: ClinVar variation 867853 (VCV000867853.3), dbSNP rs2055238665, ClinGen allele CA916080961.
Genomic context (GRCh38, chr17:43,115,710, plus strand): 5'-AAGTTAGGTGTTTCCTGGGTTATGAAGGACAAAAACAAAAGCTAATAATGGAGCCACATA[A>C]CACATTCAAACTTACTTGCAAAATATGTGGTCACACTTTGTGGAGACAGGTTCCTTGATC-3'